The following is an entry in ClinVar:

ClinVar aggregate classification (germline): Conflicting classifications of pathogenicity. Review status: criteria provided, conflicting classifications (1 of 4 stars). 4 submissions from 4 submitters: Uncertain significance (1); Likely benign (3). Last evaluated 2025-12-14.

Conditions:
Autosomal recessive limb-girdle muscular dystrophy type 2A (LGMDR1). Also called: LEYDEN-MOEBIUS MUSCULAR DYSTROPHY; Calpainopathy; Muscular dystrophy, limb-girdle, type 2A, Amish; MUSCULAR DYSTROPHY, PELVOFEMORAL; Limb-girdle muscular dystrophy, type 2A. Identifiers: Orphanet 267, MedGen C1869123, MONDO:0009675, OMIM 253600. Disease mechanism: loss of function.

Allele frequency attached by ClinVar (database versions not stated): gnomAD 0.00005 and 0.00008; TOPMed 0.00010; ExAC 0.00021; gnomAD exomes 0.00023.
gnomAD v4.1: 192 of 1,613,946 alleles (0.012%); highest among the groups gnomAD compares: Middle Eastern, 0.25%; 2 homozygotes.

Submissions (4):

Labcorp Genetics (formerly Invitae), Labcorp
Classification: Likely benign for Autosomal recessive limb-girdle muscular dystrophy type 2A. Last evaluated: 2025-12-14. Review status: criteria provided, single submitter. Criteria: Invitae Variant Classification Sherloc (09022015). Collection method: clinical testing. Allele origin: germline.

Blueprint Genetics
Classification: Likely benign. Last evaluated: 2024-08-16. Review status: criteria provided, single submitter. Criteria: ACMG Guidelines, 2015. Collection method: clinical testing. Allele origin: germline.

GeneDx
Classification: Likely benign. Last evaluated: 2017-11-07. Review status: criteria provided, single submitter. Criteria: GeneDx Variant Classification (06012015). Collection method: clinical testing. Allele origin: germline. Affected: yes.
Comment: This variant is considered likely benign or benign based on one or more of the following criteria: it is a conservative change, it occurs at a poorly conserved position in the protein, it is predicted to be benign by multiple in silico algorithms, and/or has population frequency not consistent with disease.

Illumina Laboratory Services, Illumina
Classification: Uncertain significance for Limb-girdle muscular dystrophy, type 2A. Last evaluated: 2017-04-27. Review status: criteria provided, single submitter. Criteria: ICSL Variant Classification Criteria 13 December 2019. Collection method: clinical testing. Allele origin: germline.

NM_000070.3(CAPN3):c.945+14C>T

Gene: CAPN3 (calpain 3; plus strand). Cytogenetic location: 15q15.1.
Variant type: single nucleotide variant.
Coding change: c.945+14C>T on transcript NM_000070.3 (MANE Select); 14 bases into the intron after coding-DNA position 945, C replaced by T.
Molecular consequence: intron variant.
Genome position (GRCh38, 1-based): chr15:42,390,110, C>T. VCF-style: chr15-42390110-C-T. GRCh37 (hg19) VCF-style: chr15-42682308-C-T.
Other names: c.945+14C>T (NM_024344.2); c.801+1014C>T (NM_173087.2).
Identifiers: ClinVar variation 387806 (VCV000387806.13), dbSNP rs763112832, ClinGen allele CA7511176.